The following is an entry in ClinVar:

ClinVar aggregate classification (germline): Likely benign (1 of 4 stars; one submission).

Submission:

CeGaT Center for Human Genetics Tuebingen
Classification: Likely benign. Last evaluated: 2023-10-01. Review status: criteria provided, single submitter. Criteria: CeGaT Center For Human Genetics Tuebingen Variant Classification Criteria Version 2. Collection method: clinical testing. Allele origin: germline. Affected: yes. Observed: 1 variant allele.
Comment: NBEAL2: BP4, BP7

NM_015175.3(NBEAL2):c.6213T>G (p.Arg2071=)

Gene: NBEAL2 (neurobeachin like 2; plus strand). Cytogenetic location: 3p21.31.
Variant type: single nucleotide variant.
Coding change: c.6213T>G on transcript NM_015175.3 (MANE Select); coding-DNA position 6213, T replaced by G.
Protein change: p.Arg2071=; no amino-acid change (arginine 2071 retained).
Molecular consequence: synonymous variant.
Genome position (GRCh38, 1-based): chr3:47,004,509, T>G. VCF-style: chr3-47004509-T-G. GRCh37 (hg19) VCF-style: chr3-47045999-T-G.
Other names: c.6111T>G, p.Arg2037= (NM_001365116.2).
Identifiers: ClinVar variation 2653740 (VCV002653740.24), dbSNP rs1344833769, ClinGen allele CA433599430.
Genomic context (GRCh38, chr3:47,004,509, plus strand): 5'-GCTGGACAGCCCACCTGGCTCACATCTTGTCTGCCCCTGTCCCCAGAAATGGGTACAGCG[T>G]GAGATATCCAACTTCGAGTACTTGATGCAACTCAACACCATTGCGGGGCGGACCTACAAT-3'
Protein context (NP_055990.1, residues 2061-2081): ASGLTQKWVQ[Arg2071=]EISNFEYLMQ